The following is an entry in ClinVar:

ClinVar aggregate classification (germline): Uncertain significance (1 of 4 stars; one submission).

Submission:

Dasa
Classification: Uncertain significance. Last evaluated: 2025-12-30. Review status: criteria provided, single submitter. Criteria: DASA Assertion Criteria. Collection method: clinical testing. Allele origin: germline.
Comment: NM_001282874.2(SMARCA1):c.1828C>G (p.Arg610Gly) is a missense variant that results in the substitution of arginine with glycine. Published studies describe this variant in association with related phenotype (PMID: 41213919; PMID: 40316778). Also, this variant is rare in population databases. Computational prediction algorithms are consistent with a deleterious effect. The currently available literature and clinical evidence are not sufficient to establish a definitive association between this variant and the reported condition. Therefore, this variant is classified as a variant of uncertain significance.

Literature cited by the submitters: PubMed 41213919; PubMed 40316778.

NM_001282874.2(SMARCA1):c.1828C>G (p.Arg610Gly)

Gene: SMARCA1 (SNF2 related chromatin remodeling ATPase 1; minus strand). Cytogenetic location: Xq25.
Variant type: single nucleotide variant.
Coding change: c.1828C>G on transcript NM_001282874.2 (MANE Select); coding-DNA position 1828, C replaced by G.
Protein change: p.Arg610Gly; replaces arginine 610 with glycine.
Molecular consequence: missense variant.
Genome position (GRCh38, 1-based): chrX:129,490,180, G>C on the plus strand (C>G on the coding strand, the complement: SMARCA1 is on the minus strand). VCF-style: chrX-129490180-G-C. GRCh37 (hg19) VCF-style: chrX-128624157-G-C.
Other names: c.1792C>G, p.Arg598Gly (NM_001282875.2, NM_001378262.1, NM_001378263.1 and 1 more transcripts); c.1828C>G, p.Arg610Gly (NM_001378261.1, NM_003069.5); short protein forms R598G, R610G.
Identifiers: ClinVar variation 4882243 (VCV004882243.2).